The following is an entry in ClinVar:

NM_001113378.2(FANCI):c.2278A>C (p.Ile760Leu)

Gene: FANCI (FA complementation group I; plus strand). Cytogenetic location: 15q26.1.
Variant type: single nucleotide variant.
Coding change: c.2278A>C on transcript NM_001113378.2 (MANE Select); coding-DNA position 2278, A replaced by C.
Protein change: p.Ile760Leu; replaces isoleucine 760 with leucine.
Molecular consequence: missense variant.
Genome position (GRCh38, 1-based): chr15:89,293,050, A>C. VCF-style: chr15-89293050-A-C. GRCh37 (hg19) VCF-style: chr15-89836281-A-C.
Other names: c.1999A>C, p.Ile667Leu (NM_001376910.1); c.2278A>C, p.Ile760Leu (NM_001376911.1, NM_018193.3); short protein forms I760L, I667L.
Identifiers: ClinVar variation 4779992 (VCV004779992.1).
Genomic context (GRCh38, chr15:89,293,050, plus strand): 5'-AATATCTGTGCTTTTCTTGTGATGGGAGTTTGTGAGGTTTTAATAGAATACAATTTCTCC[A>C]TAAGTAGTTTCAGGTAAGGTTTTGCTATAACTCCATTTGTAATTTGATGAATTCTCCATT-3'
Protein context (NP_001106849.1, residues 750-770): CEVLIEYNFS[Ile760Leu]SSFSKNRFED

ClinVar aggregate classification (germline): Uncertain significance (1 of 4 stars; one submission).

Conditions:
Fanconi anemia (FA). Also called: Fanconi's anemia. Identifiers: Orphanet 84, MedGen C0015625, MeSH D005199, MONDO:0019391.

gnomAD v4.1: 13 of 1,613,692 alleles (0.00081%); highest among the groups gnomAD compares: Non-Finnish European, 0.0011%; no homozygotes.

Submission:

Labcorp Genetics (formerly Invitae), Labcorp
Classification: Uncertain significance for Fanconi anemia. Last evaluated: 2026-01-17. Review status: criteria provided, single submitter. Criteria: Invitae Variant Classification Sherloc (09022015). Collection method: clinical testing. Allele origin: germline.
Comment: This sequence change replaces isoleucine, which is neutral and non-polar, with leucine, which is neutral and non-polar, at codon 760 of the FANCI protein (p.Ile760Leu). This variant is present in population databases (no rsID available, gnomAD 0.0009%). This variant has not been reported in the literature in individuals affected with FANCI-related conditions. Invitae Evidence Modeling of protein sequence and biophysical properties (such as structural, functional, and spatial information, amino acid conservation, physicochemical variation, residue mobility, and thermodynamic stability) indicates that this missense variant is not expected to disrupt FANCI protein function with a negative predictive value of 80%. In summary, the available evidence is currently insufficient to determine the role of this variant in disease. Therefore, it has been classified as a Variant of Uncertain Significance.